The following is an entry in ClinVar:

NM_004415.4(DSP):c.1608G>A (p.Leu536=)

Gene: DSP (desmoplakin; plus strand). Cytogenetic location: 6p24.3.
Variant type: single nucleotide variant.
Coding change: c.1608G>A on transcript NM_004415.4 (MANE Select); coding-DNA position 1608, G replaced by A.
Protein change: p.Leu536=; no amino-acid change (leucine 536 retained).
Molecular consequence: synonymous variant.
Genome position (GRCh38, 1-based): chr6:7,570,470, G>A. VCF-style: chr6-7570470-G-A. GRCh37 (hg19) VCF-style: chr6-7570703-G-A.
Other names: c.1608G>A, p.Leu536= (NM_001008844.3, NM_001319034.2).
Identifiers: ClinVar variation 3074827 (VCV003074827.2), dbSNP rs1432340513, ClinGen allele CA448523862.

ClinVar aggregate classification (germline): Likely benign. Review status: criteria provided, multiple submitters, no conflicts (2 of 4 stars). 2 submissions from 2 submitters: Likely benign (2). Last evaluated 2025-07-30.

Conditions:
Arrhythmogenic right ventricular dysplasia 8 (ARVD8). Also called: ARRHYTHMOGENIC RIGHT VENTRICULAR DYSPLASIA, FAMILIAL, 8; ARRHYTHMOGENIC RIGHT VENTRICULAR CARDIOMYOPATHY 8; Arrhythmogenic Right Ventricular Dysplasia/Cardiomyopathy 8. Identifiers: MedGen C1843896, MONDO:0011831, OMIM 607450.
Arrhythmogenic cardiomyopathy with wooly hair and keratoderma. Also called: PALMOPLANTAR KERATODERMA WITH LEFT VENTRICULAR CARDIOMYOPATHY AND WOOLLY HAIR; Carvajal syndrome; Dilated cardiomyopathy with woolly hair and keratoderma; Arrhythmogenic cardiomyopathy with woolly hair and keratoderma. Identifiers: Orphanet 65282, MedGen C1854063, MONDO:0011581, OMIM 605676.

Submissions (2):

Labcorp Genetics (formerly Invitae), Labcorp
Classification: Likely benign for Arrhythmogenic cardiomyopathy with wooly hair and keratoderma; Arrhythmogenic right ventricular dysplasia 8. Last evaluated: 2025-07-30. Review status: criteria provided, single submitter. Criteria: Invitae Variant Classification Sherloc (09022015). Collection method: clinical testing. Allele origin: germline.

All of Us Research Program, National Institutes of Health
Classification: Likely benign for Arrhythmogenic cardiomyopathy with wooly hair and keratoderma. Last evaluated: 2023-12-13. Review status: criteria provided, single submitter. Criteria: ACMG Guidelines, 2015. Collection method: clinical testing. Allele origin: germline. Inheritance: Autosomal dominant inheritance. Observed: 1 variant allele, 1 heterozygote.
Comment: This study involves interpretation of variants in research participants for the purpose of population health screening. Participant phenotype was not available at the time of variant classification. Additional details can be found in publication PMID: 35346344, PMCID: PMC8962531